The following is an entry in ClinVar:

NM_016312.3(WBP11):c.680del (p.Pro227fs)

Gene: WBP11 (WW domain binding protein 11; minus strand). Cytogenetic location: 12p12.3.
Variant type: Deletion.
Coding change: c.680del on transcript NM_016312.3 (MANE Select); coding-DNA position 680, one base deleted (C; older notation c.680delC).
Protein change: p.Pro227fs; shifts the reading frame from proline 227.
Molecular consequence: frameshift variant.
Genome position (GRCh38, 1-based): chr12:14,794,578, G deleted on the plus strand (C on the coding strand, the reverse complement: WBP11 is on the minus strand); the first of 5 consecutive G bases (chr12:14,794,578-14,794,582); deleting any one gives the same sequence. VCF-style (leftmost placement, unchanged base first): chr12-14794577-AG-A. GRCh37 (hg19) VCF-style: chr12-14947511-AG-A.
Other names: short protein forms P227fs.
Identifiers: ClinVar variation 4076308 (VCV004076308.1).
Genomic context (GRCh38, chr12:14,794,577, plus strand): 5'-AAAGAACAGTCACTTCTCACCAAGTTCAGGACTATATAACATGTCTTCATCTCGCCTACG[AG>A]GGGGAAGATCTAGGGCAAAACCCACTTTACGGCCATACATCTGCACGACTTGAGGAGGAG-3'

ClinVar aggregate classification (germline): Likely pathogenic (1 of 4 stars; one submission).

Conditions:
Vertebral, cardiac, tracheoesophageal, renal, and limb defects. Also called: VCTERL SYNDROME. Identifiers: MedGen C5543189, MONDO:0030987, OMIM 619227.

Submission:

Laboratorio de Genetica e Diagnostico Molecular, Hospital Israelita Albert Einstein
Classification: Likely pathogenic for Vertebral, cardiac, tracheoesophageal, renal, and limb defects. Last evaluated: 2024-11-21. Review status: criteria provided, single submitter. Criteria: ACMG Guidelines, 2015. Collection method: clinical testing. Allele origin: germline. Affected: yes.
Comment: ACMG classification criteria: PVS1 very strong, PM2 supporting